The following is an entry in ClinVar:

NM_000157.4(GBA1):c.1342G>C (p.Asp448His)

Genes: GBA1 (glucosylceramidase beta 1; minus strand), LOC106627981 (GBA recombination region; plus strand). Cytogenetic location: 1q22.
Variant type: single nucleotide variant.
Coding change: c.1342G>C on transcript NM_000157.4 (MANE Select); coding-DNA position 1342, G replaced by C.
Protein change: p.Asp448His; replaces aspartic acid 448 with histidine.
Molecular consequence: missense variant.
Genome position (GRCh38, 1-based): chr1:155,235,727, C>G on the plus strand (G>C on the coding strand, the complement: GBA1 is on the minus strand). VCF-style: chr1-155235727-C-G. GRCh37 (hg19) VCF-style: chr1-155205518-C-G.
Other names: D409H; c.1342G>C, p.Asp448His (NM_001005741.3, NM_001005742.3); c.1081G>C, p.Asp361His (NM_001171811.2); c.1195G>C, p.Asp399His (NM_001171812.2); c.1342G>C (NM_001005742.2); short protein forms D448H, D361H, D399H.
Identifiers: ClinVar variation 4293 (VCV000004293.121), dbSNP rs1064651, ClinGen allele CA221392.

ClinVar aggregate classification (germline): Pathogenic/Likely pathogenic. Review status: criteria provided, multiple submitters, no conflicts (2 of 4 stars). 35 submissions from 28 submitters: Pathogenic (28); Likely pathogenic (1). 6 of the submissions do not count toward it. Last evaluated 2026-04-01.

Conditions:
GBA-related disorder. Also called: GBA-related disorders.
Parkinson disease, late-onset (PD). Also called: Susceptibility to Parkinson's Disease; PARKINSON DISEASE, LATE-ONSET, SUSCEPTIBILITY TO; Hereditary late onset Parkinson disease. Identifiers: Orphanet 411602, MedGen C3160718, MONDO:0008199, OMIM 168600.
Gaucher disease-ophthalmoplegia-cardiovascular calcification syndrome. Also called: GAUCHER DISEASE, TYPE IIIC. Identifiers: Orphanet 2072, MedGen C1856476, MONDO:0009268, OMIM 231005.
Gaucher disease perinatal lethal. Also called: Gaucher disease collodion type; Gaucher Disease, Perinatal-Lethal Form. Identifiers: Orphanet 85212, MedGen C1842704, MONDO:0011945, OMIM 608013.
Gaucher disease type I (GD1). Also called: GAUCHER DISEASE, NONCEREBRAL JUVENILE; GBA DEFICIENCY; GD I; GLUCOCEREBROSIDASE DEFICIENCY; ACID BETA-GLUCOSIDASE DEFICIENCY; GD 1. Identifiers: Orphanet 355, Orphanet 77259, MedGen C1961835, MONDO:0009265, OMIM 230800.
Gaucher disease type II (GD2). Also called: GAUCHER DISEASE, ACUTE NEURONOPATHIC TYPE; GD II; Type 2 Gaucher disease (Acute; Infantile); Acute neuronopathic Gaucher's disease. Identifiers: Orphanet 77260, MedGen C0268250, MONDO:0009266, OMIM 230900.
Gaucher disease type III. Also called: GAUCHER DISEASE, CHRONIC NEURONOPATHIC TYPE; GAUCHER DISEASE, JUVENILE AND ADULT, CEREBRAL; GAUCHER DISEASE, SUBACUTE NEURONOPATHIC TYPE; GD III; Gaucher Disease, Type 3; Type 3 Gaucher disease (Subacute; Juvenile). Identifiers: Orphanet 355, Orphanet 77261, MedGen C0268251, MONDO:0009267, OMIM 231000.
Lewy body dementia (DLB). Also called: Lewy Body Disease. Identifiers: MedGen C0752347, MONDO:0007488, OMIM 127750.
Gaucher disease. Also called: Acute cerebral Gaucher disease; Cerebroside lipidosis syndrome; Gaucher splenomegaly; Sphingolipidosis 1; Glucocerebrosidosis; Glucosylceramidase deficiency. Identifiers: Orphanet 355, MedGen C0017205, MONDO:0018150.

Allele frequency attached by ClinVar (database versions not stated): gnomAD 0.00020; gnomAD exomes 0.00013; ExAC 0.00011.
gnomAD v4.1: 181 of 1,613,424 alleles (0.011%); highest among the groups gnomAD compares: Admixed American, 0.03%; no homozygotes.

Submissions 1 to 10 of 35:

CeGaT Center for Human Genetics Tuebingen
Classification: Pathogenic. Last evaluated: 2026-04-01. Review status: criteria provided, single submitter. Criteria: CeGaT Center For Human Genetics Tuebingen Variant Classification Criteria Version 2. Collection method: clinical testing. Allele origin: germline. Affected: yes. Observed: 6 variant alleles.
Comment: GBA1: PM3:Very Strong, PM2, PM5, PS3:Moderate

Labcorp Genetics (formerly Invitae), Labcorp
Classification: Pathogenic. Last evaluated: 2025-12-15. Review status: criteria provided, single submitter. Criteria: Invitae Variant Classification Sherloc (09022015). Collection method: clinical testing. Allele origin: germline.
Comment: This sequence change replaces aspartic acid, which is acidic and polar, with histidine, which is basic and polar, at codon 448 of the GBA protein (p.Asp448His). The frequency data for this variant in the population databases (gnomAD) is considered unreliable due to the presence of homologous sequence, such as pseudogenes or paralogs, in the genome. This missense change has been observed in individuals with GBA-related conditions (PMID: 8544197, 11992489, 15146461, 19816973, 25946768). ClinVar contains an entry for this variant (Variation ID: 4293). Invitae Evidence Modeling of protein sequence and biophysical properties (such as structural, functional, and spatial information, amino acid conservation, physicochemical variation, residue mobility, and thermodynamic stability) has been performed for this missense variant. However, the output from this modeling did not meet the statistical confidence thresholds required to predict the impact of this variant on GBA protein function. Experimental studies have shown that this missense change affects GBA function (PMID: 8294487, 16293621, 21257328). For these reasons, this variant has been classified as Pathogenic.

Natera, Inc.
Classification: Pathogenic for Gaucher disease. Last evaluated: 2025-12-12. Review status: criteria provided, single submitter. Criteria: Natera Variant Classification Schema (03/2026). Collection method: clinical testing. Allele origin: germline.
Comment: The c.1342G>C variant in GBA1 is a missense variant predicted to cause substitution of aspartic acid to histidine at amino acid 448. This variant is rare in the general population with a frequency below the threshold expected for the associated phenotype(s). This variant has been observed in one or more individuals affected with the associated recessive disease, as either homozygous or compound heterozygous with a second variant (PMID: 17196853, 27872820, 33176831). Additionally, this variant has been observed to segregate in affected family members (PMID: 17196853, 33176831). Given the available evidence, this variant is classified as Pathogenic.

Mayo Clinic Laboratories, Mayo Clinic
Classification: Pathogenic. Last evaluated: 2025-08-18. Review status: criteria provided, single submitter. Criteria: ACMG Guidelines, 2015. Collection method: clinical testing. Allele origin: germline. Observed: 4 variant alleles.

Variantyx, Inc.
Classification: Pathogenic for Gaucher disease-ophthalmoplegia-cardiovascular calcification syndrome. Last evaluated: 2025-08-14. Review status: criteria provided, single submitter. Criteria: Variantyx Assertion Criteria 2022. Collection method: clinical testing. Allele origin: germline. Inheritance: Autosomal recessive inheritance. Affected: yes.
Comment: This is a nonsynonymous variant in the GBA gene (OMIM: 606463). Pathogenic variants in this gene have been associated with autosomal recessive Gaucher disease type IIIC. This variant has been identified in the homozygous or compound heterozygous state in the current proband and many individuals reported in the published literature (PMID: 8544197, 7475546, 11992489) (PM3). Functional studies have shown that this variant alters GBA protein function (PMID: 8294487, 16293621, 21257328) (PS3) and multiple computational algorithms predict a deleterious effect for this variant (REVEL score: 0.738) (PP3). This variant has a 0.0301% maximum allele frequency in non-founder control populations (PM2). Based on the current evidence, this variant is classified as pathogenic for autosomal recessive Gaucher disease type IIIC.This variant was reported by previous genetic testing.

ARUP Laboratories, Molecular Genetics and Genomics, ARUP Laboratories
Classification: Pathogenic. Last evaluated: 2025-07-22. Review status: criteria provided, single submitter. Criteria: ARUP Molecular Germline Variant Investigation Process 2024. Collection method: clinical testing. Allele origin: germline.
Comment: The GBA c.1342G>C; p.Asp448His variant (rs1064651, ClinVar Variation ID: 4293), also known as Asp444His, is reported in the literature in multiple individuals affected with Gaucher syndrome (Chabas 1995, Karakoyun 2019, Kim 2020, Mattosova 2015). This variant is found in the general population with an overall allele frequency of 0.013% (38/281,700 alleles) in the Genome Aggregation Database (v2.1.1). Computational analyses predict that this variant is deleterious (REVEL: 0.738). Functional analyses of the variant protein show reduced enzyme activity (3-14% of wild type; Liou 2006, Montfort 2004). Based on available information, this variant is considered to be pathogenic. References: Chabas A et al. Unusual expression of Gaucher's disease: cardiovascular calcifications in three sibs homozygous for the D409H mutation. J Med Genet. 1995 Sep;32(9):740-2. PMID: 8544197. Karakoyun M et al. Two siblings with Gaucher type 3c: different clinical presentations. J Pediatr Endocrinol Metab. 2019 May 27;32(5):533-536. PMID: 31026225. Kim YM et al. The GBA p.G85E mutation in Korean patients with non-neuronopathic Gaucher disease: founder and neuroprotective effects. Orphanet J Rare Dis. 2020 Nov 11;15(1):318. PMID: 33176831. Liou B et al. Analyses of variant acid beta-glucosidases: effects of Gaucher disease mutations. J Biol Chem. 2006 Feb 17;281(7):4242-53. PMID: 16293621. Mattosova S et al. Spectrum of GBA mutations in patients with Gaucher disease from Slovakia: identification of five novel mutations. Isr Med Assoc J. 2015 Mar;17(3):166-70. PMID: 25946768. Montfort M et al. Functional analysis of 13 GBA mutant alleles identified in Gaucher disease patients: Pathogenic changes and "modifier" polymorphisms. Hum Mutat. 2004 Jun;23(6):567-75. PMID: 15146461.

Laboratory of Genetics, Children's Clinical University Hospital Latvia
Classification: Pathogenic. Last evaluated: 2025-02-16. Review status: criteria provided, single submitter. Criteria: ACMG Guidelines, 2015. Collection method: clinical testing. Allele origin: germline. Affected: yes.

Blueprint Genetics
Classification: Pathogenic for GBA-related disorders. Last evaluated: 2024-10-08. Review status: criteria provided, single submitter. Criteria: ACMG Guidelines, 2015. Collection method: clinical testing. Allele origin: germline. Affected: yes. Observed: 5 variant alleles.

Genomic Medicine Center of Excellence, King Faisal Specialist Hospital and Research Centre
Classification: Pathogenic for Parkinson disease, late-onset. Last evaluated: 2024-03-17. Review status: criteria provided, single submitter. Criteria: ACMG Guidelines, 2015. Collection method: research. Allele origin: germline.

Foundation for Research in Genetics and Endocrinology, FRIGE's Institute of Human Genetics
Classification: Pathogenic for Gaucher disease type I. Last evaluated: 2023-08-19. Review status: criteria provided, single submitter. Criteria: ACMG Guidelines, 2015. Collection method: clinical testing. Allele origin: germline. Inheritance: Autosomal recessive inheritance. Affected: yes. Observed: 1 homozygote.
Comment: A Homozygous variation in exon 9 of the GAA gene that results in the amino acid substitution of Histidine for Aspartic acid at codon 448 was detected. The observed variant has not been reported in the 1000 genomes and gnomAD databases. The in-silico prediction of the variant is disease causing by MutationTaster2, DANN and FATHMM. The reference codon is conserved across species. In summary, the variant meets our criteria to be classified as pathogenic.